The following is an entry in ClinVar:

NM_000321.3(RB1):c.2570G>A (p.Arg857His)

Gene: RB1 (RB transcriptional corepressor 1; plus strand). Cytogenetic location: 13q14.2.
Variant type: single nucleotide variant.
Coding change: c.2570G>A on transcript NM_000321.3 (MANE Select); coding-DNA position 2570, G replaced by A.
Protein change: p.Arg857His; replaces arginine 857 with histidine.
Molecular consequence: missense variant.
Genome position (GRCh38, 1-based): chr13:48,476,750, G>A. VCF-style: chr13-48476750-G-A. GRCh37 (hg19) VCF-style: chr13-49050886-G-A.
Other names: short protein forms R857H.
Identifiers: ClinVar variation 458153 (VCV000458153.21), dbSNP rs144668210, ClinGen allele CA036194.

ClinVar aggregate classification (germline): Conflicting classifications of pathogenicity. Review status: criteria provided, conflicting classifications (1 of 4 stars). 7 submissions from 7 submitters: Uncertain significance (1); Benign (1); Likely benign (5). Last evaluated 2026-06-22.

Conditions:
Hereditary cancer-predisposing syndrome. Also called: Neoplastic Syndromes, Hereditary; Hereditary Cancer Syndrome; Hereditary neoplastic syndrome; Tumor predisposition. Identifiers: Orphanet 140162, MedGen C0027672, MeSH D009386, MONDO:0015356.
Retinoblastoma (RB1). Also called: RETINOBLASTOMA, SOMATIC. Identifiers: Orphanet 790, MedGen C0035335, MeSH D012175, MONDO:0008380, OMIM 180200, HP:0009919. Disease mechanism: loss of function. Inheritance: Both sporadic and heritable forms are tested..

Allele frequency attached by ClinVar (database versions not stated): gnomAD 0.00012 and 0.00013; TOPMed 0.00013; 1000 Genomes Project 0.00020; ESP Exome Variant Server 0.00023; 1000 Genomes Project 30x 0.00031.
gnomAD v4.1: 94 of 1,613,384 alleles (0.0058%); highest among the groups gnomAD compares: African/African-American, 0.041%; no homozygotes.

Submissions (7):

Myriad Genetics, Inc.
Classification: Likely benign for Retinoblastoma. Last evaluated: 2026-06-22. Review status: criteria provided, single submitter. Criteria: Myriad Autosomal Dominant, Autosomal Recessive and X-Linked Classification Criteria (2023). Collection method: clinical testing. Allele origin: unknown.
Comment: This variant is considered likely benign. This variant has been observed at a population frequency that is significantly greater than expected given the associated disease prevalence and penetrance.

Labcorp Genetics (formerly Invitae), Labcorp
Classification: Benign for Retinoblastoma. Last evaluated: 2026-01-18. Review status: criteria provided, single submitter. Criteria: Invitae Variant Classification Sherloc (09022015). Collection method: clinical testing. Allele origin: germline.

Blueprint Genetics
Classification: Likely benign. Last evaluated: 2023-05-31. Review status: criteria provided, single submitter. Criteria: ACMG Guidelines, 2015. Collection method: clinical testing. Allele origin: germline.

GeneDx
Classification: Uncertain significance. Last evaluated: 2022-07-14. Review status: criteria provided, single submitter. Criteria: GeneDx Variant Classification Process June 2021. Collection method: clinical testing. Allele origin: germline. Affected: yes.
Comment: In silico analysis supports that this missense variant does not alter protein structure/function; Has not been previously published as pathogenic or benign to our knowledge

Color Diagnostics, LLC DBA Color Health
Classification: Likely benign for Retinoblastoma. Last evaluated: 2022-05-12. Review status: criteria provided, single submitter. Criteria: ACMG Guidelines, 2015. Collection method: clinical testing. Allele origin: germline.

Sema4
Classification: Likely benign for Hereditary cancer-predisposing syndrome. Last evaluated: 2021-04-29. Review status: criteria provided, single submitter. Criteria: Sema4 Curation Guidelines. Collection method: curation. Allele origin: germline.

Ambry Genetics
Classification: Likely benign for Hereditary cancer-predisposing syndrome. Last evaluated: 2018-11-01. Review status: criteria provided, single submitter. Criteria: Ambry Variant Classification Scheme 2023. Collection method: clinical testing. Allele origin: germline.